The following is an entry in ClinVar:

ClinVar aggregate classification (germline): Conflicting classifications of pathogenicity. Review status: criteria provided, conflicting classifications (1 of 4 stars). 5 submissions from 5 submitters: Pathogenic (1); Uncertain significance (1). 3 of the submissions do not count toward it. Last evaluated 2025-10-31.

Conditions:
Charcot-Marie-Tooth disease type 2B (CMT2B). Also called: HEREDITARY MOTOR AND SENSORY NEUROPATHY IIB; Charcot-Marie-Tooth Neuropathy Type 2B; CHARCOT-MARIE-TOOTH DISEASE, AXONAL, TYPE 2B; CHARCOT-MARIE-TOOTH DISEASE, AUTOSOMAL DOMINANT, TYPE 2B. Identifiers: Orphanet 99936, MedGen C1833219, MONDO:0010949, OMIM 600882.
Inborn genetic diseases. Identifiers: MedGen C0950123, MeSH D030342.
Charcot-Marie-Tooth disease. Also called: Charcot-Marie-Tooth Hereditary Neuropathy; Charcot-Marie-Tooth Neuropathy. Identifiers: Orphanet 166, MedGen C0007959, MONDO:0015626.

Submissions (5):

Ambry Genetics
Classification: Uncertain significance for Inborn genetic diseases. Last evaluated: 2025-10-31. Review status: criteria provided, single submitter. Criteria: Ambry Variant Classification Scheme 2023. Collection method: clinical testing. Allele origin: germline.
Comment: The c.482A>C (p.N161T) alteration is located in exon 5 (coding exon 4) of the RAB7A gene. This alteration results from an A to C substitution at nucleotide position 482, causing the asparagine (N) at amino acid position 161 to be replaced by a threonine (T). This variant was not reported in population-based cohorts in the Genome Aggregation Database (gnomAD). This variant was reported in individual(s) with features consistent with RAB7A-related Charcot-Marie-Tooth disease type 2 (Houlden, 2004). Other variant(s) at the same codon, c.482A>T (p.N161I), have been identified in individual(s) with features consistent with RAB7A-related Charcot-Marie-Tooth disease type 2 (Xing, 2014). This amino acid position is highly conserved in available vertebrate species. In multiple assays testing RAB7A function, this variant showed functionally abnormal results (Cioni, 2019; Colecchia, 2018; Ponomareva, 2016; Cherry, 2013; Zhang, 2013; BasuRay, 2013; Cogli, 2010). This alteration is predicted to be deleterious by in silico analysis. Based on insufficient or conflicting evidence, the clinical significance of this alteration remains unclear.

Labcorp Genetics (formerly Invitae), Labcorp
Classification: Pathogenic for Charcot-Marie-Tooth disease type 2B. Last evaluated: 2025-05-30. Review status: criteria provided, single submitter. Criteria: Invitae Variant Classification Sherloc (09022015). Collection method: clinical testing. Allele origin: germline.
Comment: This sequence change replaces asparagine, which is neutral and polar, with threonine, which is neutral and polar, at codon 161 of the RAB7A protein (p.Asn161Thr). This variant is not present in population databases (gnomAD no frequency). This missense change has been observed in individual(s) with clinical features of RAB7A-related conditions (PMID: 15455439). ClinVar contains an entry for this variant (Variation ID: 7347). An algorithm developed to predict the effect of missense changes on protein structure and function (PolyPhen-2) suggests that this variant is likely to be disruptive. Experimental studies have shown that this missense change affects RAB7A function (PMID: 18272684, 21151572, 23179371, 23188822, 26791407). This variant disrupts the p.Asn161 amino acid residue in RAB7A. Other variant(s) that disrupt this residue have been determined to be pathogenic (PMID: 24498653, 29130394). This suggests that this residue is clinically significant, and that variants that disrupt this residue are likely to be disease-causing. For these reasons, this variant has been classified as Pathogenic.

OMIM
Classification: Pathogenic for CHARCOT-MARIE-TOOTH DISEASE, AXONAL, TYPE 2B. Last evaluated: 2004-10-01. Review status: no assertion criteria provided. Collection method: literature only. Allele origin: germline. Not counted in ClinVar's aggregate classification.

Inherited Neuropathy Consortium
Classification: Uncertain significance for Charcot-Marie-Tooth disease. Review status: no assertion criteria provided. Collection method: literature only. Allele origin: germline. Affected: yes. Not counted in ClinVar's aggregate classification.

UniProtKB/Swiss-Prot
No classification provided. Review status: no classification provided. Collection method: not provided. Allele origin: not provided. Not counted in ClinVar's aggregate classification.

Literature cited by the submitters: PubMed 15455439 (cited by 4 submitters); PubMed 20464402 (cited by Ambry Genetics); PubMed 23188822 (cited by Ambry Genetics and Labcorp Genetics (formerly Invitae), Labcorp); PubMed 23616551 (cited by Ambry Genetics); PubMed 24327558 (cited by Ambry Genetics); PubMed 26791407 (cited by Ambry Genetics and Labcorp Genetics (formerly Invitae), Labcorp); PubMed 29130394 (cited by Ambry Genetics and Labcorp Genetics (formerly Invitae), Labcorp); PubMed 30612743 (cited by Ambry Genetics); PubMed 18272684 (cited by Labcorp Genetics (formerly Invitae), Labcorp); PubMed 21151572 (cited by Labcorp Genetics (formerly Invitae), Labcorp); PubMed 23179371 (cited by Labcorp Genetics (formerly Invitae), Labcorp); PubMed 24498653 (cited by Labcorp Genetics (formerly Invitae), Labcorp).

NM_004637.6(RAB7A):c.482A>C (p.Asn161Thr)

Gene: RAB7A (RAB7A, member RAS oncogene family; plus strand). Cytogenetic location: 3q21.3.
Variant type: single nucleotide variant.
Coding change: c.482A>C on transcript NM_004637.6 (MANE Select); coding-DNA position 482, A replaced by C.
Protein change: p.Asn161Thr; replaces asparagine 161 with threonine.
Molecular consequence: missense variant.
Genome position (GRCh38, 1-based): chr3:128,807,625, A>C. VCF-style: chr3-128807625-A-C. GRCh37 (hg19) VCF-style: chr3-128526468-A-C.
Other names: short protein forms N161T.
Identifiers: ClinVar variation 7347 (VCV000007347.4), dbSNP rs121909080, ClinGen allele CA219660.
Genomic context (GRCh38, chr3:128,807,625, plus strand): 5'-CCTGGTGCTACAGCAAAAACAACATTCCCTACTTTGAGACCAGTGCCAAGGAGGCCATCA[A>C]CGTGGAGCAGGCGTTCCAGACGATTGCACGGAATGCACTTAAGCAGGTGGGTCTCCCACA-3'
Protein context (NP_004628.4, residues 151-171): YFETSAKEAI[Asn161Thr]VEQAFQTIAR